The following is an entry in ClinVar:

ClinVar aggregate classification (germline): Uncertain significance (1 of 4 stars; one submission).

Allele frequency attached by ClinVar (database versions not stated): gnomAD exomes below 0.00001.
gnomAD v4.1: 1 of 1,613,786 alleles (0.000062%); highest among the groups gnomAD compares: Non-Finnish European, 0.000085%; no homozygotes.

Submission:

Labcorp Genetics (formerly Invitae), Labcorp
Classification: Uncertain significance. Last evaluated: 2022-03-23. Review status: criteria provided, single submitter. Criteria: Invitae Variant Classification Sherloc (09022015). Collection method: clinical testing. Allele origin: germline.
Comment: In summary, the available evidence is currently insufficient to determine the role of this variant in disease. Therefore, it has been classified as a Variant of Uncertain Significance. Algorithms developed to predict the effect of missense changes on protein structure and function (SIFT, PolyPhen-2, Align-GVGD) all suggest that this variant is likely to be tolerated. This variant has not been reported in the literature in individuals affected with FBXO11-related conditions. This variant is not present in population databases (gnomAD no frequency). This sequence change replaces glutamine, which is neutral and polar, with glutamic acid, which is acidic and polar, at codon 394 of the FBXO11 protein (p.Gln394Glu).

NM_001190274.2(FBXO11):c.1180C>G (p.Gln394Glu)

Gene: FBXO11 (F-box protein 11; minus strand). Cytogenetic location: 2p16.3.
Variant type: single nucleotide variant.
Coding change: c.1180C>G on transcript NM_001190274.2 (MANE Select); coding-DNA position 1180, C replaced by G.
Protein change: p.Gln394Glu; replaces glutamine 394 with glutamic acid.
Molecular consequence: missense variant.
Genome position (GRCh38, 1-based): chr2:47,832,652, G>C on the plus strand (C>G on the coding strand, the complement: FBXO11 is on the minus strand). VCF-style: chr2-47832652-G-C. GRCh37 (hg19) VCF-style: chr2-48059791-G-C.
Other names: c.928C>G, p.Gln310Glu (NM_001374325.1, NM_025133.4); short protein forms Q394E, Q310E.
Identifiers: ClinVar variation 2115994 (VCV002115994.4), dbSNP rs2531191534, ClinGen allele CA346765672.